The following is an entry in ClinVar:

ClinVar aggregate classification (germline): Likely benign (1 of 4 stars; one submission).

gnomAD v4.1: 2 of 1,609,566 alleles (0.00012%); highest among the groups gnomAD compares: Admixed American, 0.0034%; no homozygotes.

Submission:

CeGaT Center for Human Genetics Tuebingen
Classification: Likely benign. Last evaluated: 2026-01-01. Review status: criteria provided, single submitter. Criteria: CeGaT Center For Human Genetics Tuebingen Variant Classification Criteria Version 2. Collection method: clinical testing. Allele origin: germline. Affected: yes. Observed: 1 variant allele.
Comment: SPTBN1: BP4, BP7

NM_003128.3(SPTBN1):c.4590C>T (p.Leu1530=)

Gene: SPTBN1 (spectrin beta, non-erythrocytic 1; plus strand). Cytogenetic location: 2p16.2.
Variant type: single nucleotide variant.
Coding change: c.4590C>T on transcript NM_003128.3 (MANE Select); coding-DNA position 4590, C replaced by T.
Protein change: p.Leu1530=; no amino-acid change (leucine 1530 retained).
Molecular consequence: synonymous variant.
Genome position (GRCh38, 1-based): chr2:54,646,199, C>T. VCF-style: chr2-54646199-C-T. GRCh37 (hg19) VCF-style: chr2-54873336-C-T.
Other names: c.4551C>T, p.Leu1517= (NM_178313.3).
Identifiers: ClinVar variation 4821336 (VCV004821336.4).